The following is an entry in ClinVar:

NM_139137.4(KCNC2):c.1310C>G (p.Thr437Ser)

Gene: KCNC2 (potassium voltage-gated channel subfamily C member 2; minus strand). Cytogenetic location: 12q21.1.
Variant type: single nucleotide variant.
Coding change: c.1310C>G on transcript NM_139137.4 (MANE Select); coding-DNA position 1310, C replaced by G.
Protein change: p.Thr437Ser; replaces threonine 437 with serine.
Molecular consequence: missense variant. On other transcripts: non-coding transcript variant (1).
Genome position (GRCh38, 1-based): chr12:75,050,695, G>C on the plus strand (C>G on the coding strand, the complement: KCNC2 is on the minus strand). VCF-style: chr12-75050695-G-C. GRCh37 (hg19) VCF-style: chr12-75444475-G-C.
Other names: c.1310C>G, p.Thr437Ser (NM_001260497.2, NM_001260498.2, NM_001260499.2 and 13 more transcripts); short protein forms T437S.
Identifiers: ClinVar variation 4854814 (VCV004854814.1).
Genomic context (GRCh38, chr12:75,050,695, plus strand): 5'-CACAGGGCTCCCACCAGCATGCCTGACCATGTTTGGGGGTACATATCCCCATAACCCAGG[G>C]TAGTCATGGTCACTACAGCCCACCAGAACCCAATGGGAATGTTTTTGAACTGTGTGTGCT-3'
Protein context (NP_631875.1, residues 427-447): GFWWAVVTMT[Thr437Ser]LGYGDMYPQT

ClinVar aggregate classification (germline): Uncertain significance (1 of 4 stars; one submission).

Conditions:
Developmental and epileptic encephalopathy 103 (DEE103). Identifiers: MedGen C5677002, MONDO:0030957, OMIM 619913.

Submission:

3billion
Classification: Uncertain significance for Developmental and epileptic encephalopathy 103. Last evaluated: 2025-12-30. Review status: criteria provided, single submitter. Criteria: ACMG Guidelines, 2015. Collection method: clinical testing. Allele origin: germline. Affected: yes.
Comment: The variant is not observed in the gnomAD v4.1.0 dataset. Predicted Consequence/Location: Missense variant. Missense changes are a common disease-causing mechanism. In silico tool predictions suggest damaging effect of the variant on gene or gene product [REVEL: 0.91 (>=0.6, sensitivity 0.68 and specificity 0.92); 3Cnet: 0.99 (> 0.75, sensitivity 0.96 and precision 0.92)]. Different missense changes at the same codon (p.Thr437Ala, p.Thr437Asn) have been reported to be associated with KCNC2-related disorder (ClinVar ID: VCV001693475, VCV003342853 /PMID: 35314505). Therefore, this variant is classified as VUS according to the recommendation of ACMG/AMP guideline.

Literature cited by the submitters: PubMed 35314505.